The following is an entry in ClinVar:

NM_001458.5(FLNC):c.2587C>T (p.Pro863Ser)

Gene: FLNC (filamin C; plus strand). Cytogenetic location: 7q32.1.
Variant type: single nucleotide variant.
Coding change: c.2587C>T on transcript NM_001458.5 (MANE Select); coding-DNA position 2587, C replaced by T.
Protein change: p.Pro863Ser; replaces proline 863 with serine.
Molecular consequence: missense variant.
Genome position (GRCh38, 1-based): chr7:128,843,265, C>T. VCF-style: chr7-128843265-C-T. GRCh37 (hg19) VCF-style: chr7-128483319-C-T.
Other names: c.2587C>T, p.Pro863Ser (NM_001127487.2); short protein forms P863S.
Identifiers: ClinVar variation 841756 (VCV000841756.10), dbSNP rs754750752, ClinGen allele CA369192368.

ClinVar aggregate classification (germline): Uncertain significance (1 of 4 stars; one submission).

Conditions:
Myofibrillar myopathy 5. Also called: Filaminopathy (type); FILAMINOPATHY, AUTOSOMAL DOMINANT. Identifiers: Orphanet 171445, MedGen C1836050, MONDO:0012289, OMIM 609524.
Distal myopathy with posterior leg and anterior hand involvement. Also called: WILLIAMS DISTAL MYOPATHY. Identifiers: Orphanet 63273, MedGen C3279722, MONDO:0013550, OMIM 614065.
Hypertrophic cardiomyopathy 26. Also called: Cardiomyopathy, familial hypertrophic, 26. Identifiers: Orphanet 75249, MedGen C4310749, MONDO:0014883, OMIM 617047.

Allele frequency attached by ClinVar (database versions not stated): TOPMed 0.00002.
gnomAD v4.1: 7 of 1,610,420 alleles (0.00043%); highest among the groups gnomAD compares: East Asian, 0.013%; no homozygotes.

Submission:

Labcorp Genetics (formerly Invitae), Labcorp
Classification: Uncertain significance for Distal myopathy with posterior leg and anterior hand involvement; Myofibrillar myopathy 5; Hypertrophic cardiomyopathy 26. Last evaluated: 2025-04-23. Review status: criteria provided, single submitter. Criteria: Invitae Variant Classification Sherloc (09022015). Collection method: clinical testing. Allele origin: germline.
Comment: This sequence change replaces proline, which is neutral and non-polar, with serine, which is neutral and polar, at codon 863 of the FLNC protein (p.Pro863Ser). This variant is present in population databases (no rsID available, gnomAD 0.006%). This missense change has been observed in individual(s) with hypertrophic cardiomyopathy (PMID: 30411535). ClinVar contains an entry for this variant (Variation ID: 841756). Invitae Evidence Modeling of protein sequence and biophysical properties (such as structural, functional, and spatial information, amino acid conservation, physicochemical variation, residue mobility, and thermodynamic stability) has been performed for this missense variant. However, the output from this modeling did not meet the statistical confidence thresholds required to predict the impact of this variant on FLNC protein function. In summary, the available evidence is currently insufficient to determine the role of this variant in disease. Therefore, it has been classified as a Variant of Uncertain Significance.

Literature cited by the submitters: PubMed 30411535.